The following is an entry in ClinVar:

NM_001036.6(RYR3):c.6265A>G (p.Met2089Val)

Gene: RYR3 (ryanodine receptor 3; plus strand). Cytogenetic location: 15q14.
Variant type: single nucleotide variant.
Coding change: c.6265A>G on transcript NM_001036.6 (MANE Select); coding-DNA position 6265, A replaced by G.
Protein change: p.Met2089Val; replaces methionine 2089 with valine.
Molecular consequence: missense variant.
Genome position (GRCh38, 1-based): chr15:33,699,719, A>G. VCF-style: chr15-33699719-A-G. GRCh37 (hg19) VCF-style: chr15-33991920-A-G.
Other names: c.6265A>G, p.Met2089Val (NM_001243996.4); short protein forms M2089V.
Identifiers: ClinVar variation 1007803 (VCV001007803.8), dbSNP rs2066160816, ClinGen allele CA391583581.

ClinVar aggregate classification (germline): Uncertain significance (1 of 4 stars; one submission).

Conditions:
Epileptic encephalopathy. Identifiers: MedGen C0543888, HP:0200134.

Submission:

Labcorp Genetics (formerly Invitae), Labcorp
Classification: Uncertain significance for Epileptic encephalopathy. Last evaluated: 2022-09-01. Review status: criteria provided, single submitter. Criteria: Invitae Variant Classification Sherloc (09022015). Collection method: clinical testing. Allele origin: germline.
Comment: Algorithms developed to predict the effect of sequence changes on RNA splicing suggest that this variant may create or strengthen a splice site. In summary, the available evidence is currently insufficient to determine the role of this variant in disease. Therefore, it has been classified as a Variant of Uncertain Significance. Algorithms developed to predict the effect of missense changes on protein structure and function (SIFT, PolyPhen-2, Align-GVGD) all suggest that this variant is likely to be tolerated. ClinVar contains an entry for this variant (Variation ID: 1007803). This variant has not been reported in the literature in individuals affected with RYR3-related conditions. This variant is not present in population databases (gnomAD no frequency). This sequence change replaces methionine, which is neutral and non-polar, with valine, which is neutral and non-polar, at codon 2089 of the RYR3 protein (p.Met2089Val).